The following is an entry in ClinVar:

NM_004006.3(DMD):c.9807+5G>A

Gene: DMD (dystrophin; minus strand). Cytogenetic location: Xp21.2.
Variant type: single nucleotide variant.
Coding change: c.9807+5G>A on transcript NM_004006.3 (MANE Select); 5 bases into the intron after coding-DNA position 9807, G replaced by A.
Molecular consequence: intron variant.
Genome position (GRCh38, 1-based): chrX:31,203,956, C>T on the plus strand (G>A on the coding strand, the complement: DMD is on the minus strand). VCF-style: chrX-31203956-C-T. GRCh37 (hg19) VCF-style: chrX-31222073-C-T.
Other names: c.9783+5G>A (NM_000109.4); c.5784+5G>A (NM_004011.4); c.5775+5G>A (NM_004012.4); c.2427+5G>A (NM_004023.3, NM_004020.4, NM_004022.3 and 2 more transcripts); c.1620+5G>A (NM_004014.3); c.603+5G>A (NM_004018.3, NM_004017.3, NM_004016.3 and 2 more transcripts); c.9795+5G>A (NM_004009.3); c.9438+5G>A (NM_004010.3).
Identifiers: ClinVar variation 578413 (VCV000578413.11), dbSNP rs1569460607, ClinGen allele CA891843870.

ClinVar aggregate classification (germline): Likely pathogenic (1 of 4 stars; one submission).

Conditions:
Duchenne muscular dystrophy (DMD). Also called: MUSCULAR DYSTROPHY, PSEUDOHYPERTROPHIC PROGRESSIVE, DUCHENNE TYPE; Duchenne Muscular Dystrophy (DMD). Identifiers: Orphanet 98896, MedGen C0013264, MONDO:0010679, OMIM 310200.

Submission:

Labcorp Genetics (formerly Invitae), Labcorp
Classification: Likely pathogenic for Duchenne muscular dystrophy. Last evaluated: 2022-08-09. Review status: criteria provided, single submitter. Criteria: Invitae Variant Classification Sherloc (09022015). Collection method: clinical testing. Allele origin: germline.
Comment: In summary, the currently available evidence indicates that the variant is pathogenic, but additional data are needed to prove that conclusively. Therefore, this variant has been classified as Likely Pathogenic. Variants that disrupt the consensus splice site are a relatively common cause of aberrant splicing (PMID: 17576681, 9536098). Algorithms developed to predict the effect of sequence changes on RNA splicing suggest that this variant may disrupt the consensus splice site. ClinVar contains an entry for this variant (Variation ID: 578413). This variant has been observed in individual(s) with clinical features of Duchenne muscular dystrophy (PMID: 11710958, 29604111; Invitae). This variant is not present in population databases (gnomAD no frequency). This sequence change falls in intron 67 of the DMD gene. It does not directly change the encoded amino acid sequence of the DMD protein. It affects a nucleotide within the consensus splice site.

Literature cited by the submitters: PubMed 17576681; PubMed 9536098; PubMed 11710958; PubMed 29604111.